The following is an entry in ClinVar:

NM_020810.3(TRMT5):c.323_324insGGCCGGGCGCGGTGGCTCACGCCTGTAATCCCAGCACTTTGGGAGGCCGAGGCGGGCGGATCACGAGGTCANNNNNNNNNNAAAAAAAAAAAAAAAAAAAAAAAGAAATAGTCAGTAA (p.Lys108_Leu109insAlaGlyArgGlyGlySerArgLeuTer)

Gene: TRMT5 (tRNA methyltransferase 5; minus strand). Cytogenetic location: 14q23.1.
Variant type: Insertion.
Coding change: c.323_324insGGCCGGGCGCGGTGGCTCACGCCTGTAATCCCAGCACTTTGGGAGGCCGAGGCGGGCGGATCACGAGGTCANNNNNNNNNNAAAAAAAAAAAAAAAAAAAAAAAGAAATAGTCAGTAA on transcript NM_020810.3 (MANE Select); coding-DNA positions 323 to 324, GGCCGGGCGCGGTGGCTCACGCCTGTAATCCCAGCACTTTGGGAGGCCGAGGCGGGCGGATCACGAGGTCANNNNNNNNNNAAAAAAAAAAAAAAAAAAAAAAAGAAATAGTCAGTAA inserted.
Protein change: p.Lys108_Leu109insAlaGlyArgGlyGlySerArgLeuTer.
Molecular consequence: nonsense, inframe insertion.
Genome position: GRCh38: chr14:60,979,591-60,979,592. GRCh37 (hg19): chr14:61,446,309-61,446,310.
Other names: c.407_408insGGCCGGGCGCGGTGGCTCACGCCTGTAATCCCAGCACTTTGGGAGGCCGAGGCGGGCGGATCACGAGGTCANNNNNNNNNNAAAAAAAAAAAAAAAAAAAAAAAGAAATAGTCAGTAA, p.Lys136_Leu137insAlaGlyArgGlyGlySerArgLeuTer (NM_001350253.1); c.404_405insGGCCGGGCGCGGTGGCTCACGCCTGTAATCCCAGCACTTTGGGAGGCCGAGGCGGGCGGATCACGAGGTCANNNNNNNNNNAAAAAAAAAAAAAAAAAAAAAAAGAAATAGTCAGTAA, p.Lys135_Leu136insAlaGlyArgGlyGlySerArgLeuTer (NM_001350254.1).
Identifiers: ClinVar variation 1996690 (VCV001996690.2), dbSNP rs2502993911.

ClinVar aggregate classification (germline): Uncertain significance (1 of 4 stars; one submission).

Submission:

Labcorp Genetics (formerly Invitae), Labcorp
Classification: Uncertain significance. Last evaluated: 2022-06-20. Review status: criteria provided, single submitter. Criteria: Invitae Variant Classification Sherloc (09022015). Collection method: clinical testing. Allele origin: germline.
Comment: This variant has not been reported in the literature in individuals affected with TRMT5-related conditions. In summary, the available evidence is currently insufficient to determine the role of this variant in disease. Therefore, it has been classified as a Variant of Uncertain Significance. Retrotransposon insertions including LINE1 (L1), Alu, and SVA (SINE-VNTR-Alu) have been reported to disrupt protein function (PMID: 19763152, 20307669, 22406018). However the effect of this particular variant is unknown. This variant is not present in population databases (gnomAD no frequency). This sequence change inserts a large fragment of DNA, likely a transposable element, in exon 2 of the TRMT5 gene (c.323_324ins?), causing a frameshift at codon 109 (p.Leu109fs). The exact size and sequence of the insertion cannot be determined by the current assay. However, the insertion is expected to result in an absent or disrupted protein product.

Literature cited by the submitters: PubMed 19763152; PubMed 20307669; PubMed 22406018.